The following is an entry in ClinVar:

ClinVar aggregate classification (germline): Uncertain significance (1 of 4 stars; one submission).

Submission:

Labcorp Genetics (formerly Invitae), Labcorp
Classification: Uncertain significance. Last evaluated: 2023-06-06. Review status: criteria provided, single submitter. Criteria: Invitae Variant Classification Sherloc (09022015). Collection method: clinical testing. Allele origin: germline.
Comment: In summary, the available evidence is currently insufficient to determine the role of this variant in disease. Therefore, it has been classified as a Variant of Uncertain Significance. An algorithm developed to predict the effect of missense changes on protein structure and function (PolyPhen-2) suggests that this variant is likely to be tolerated. This variant has not been reported in the literature in individuals affected with CDHR1-related conditions. This variant is not present in population databases (gnomAD no frequency). This sequence change replaces arginine, which is basic and polar, with glycine, which is neutral and non-polar, at codon 100 of the CDHR1 protein (p.Arg100Gly).

NM_033100.4(CDHR1):c.298A>G (p.Arg100Gly)

Gene: CDHR1 (cadherin related family member 1; plus strand). Cytogenetic location: 10q23.1.
Variant type: single nucleotide variant.
Coding change: c.298A>G on transcript NM_033100.4 (MANE Select); coding-DNA position 298, A replaced by G.
Protein change: p.Arg100Gly; replaces arginine 100 with glycine.
Molecular consequence: missense variant.
Genome position (GRCh38, 1-based): chr10:84,197,786, A>G. VCF-style: chr10-84197786-A-G. GRCh37 (hg19) VCF-style: chr10-85957542-A-G.
Other names: c.298A>G, p.Arg100Gly (NM_001171971.3); short protein forms R100G.
Identifiers: ClinVar variation 2796136 (VCV002796136.3), dbSNP rs2492471305, ClinGen allele CA377370752.